The following is an entry in ClinVar:

ClinVar aggregate classification (germline): Likely pathogenic (1 of 4 stars; one submission).

gnomAD v4.1: 5 of 1,613,416 alleles (0.00031%); highest among the groups gnomAD compares: Non-Finnish European, 0.00042%; no homozygotes.

Submissions (2):

Labcorp Genetics (formerly Invitae), Labcorp
Classification: Likely pathogenic. Last evaluated: 2023-10-04. Review status: criteria provided, single submitter. Criteria: Invitae Variant Classification Sherloc (09022015). Collection method: clinical testing. Allele origin: germline.
Comment: This sequence change affects an acceptor splice site in intron 6 of the EIF2B2 gene. It is expected to disrupt RNA splicing. Variants that disrupt the donor or acceptor splice site typically lead to a loss of protein function (PMID: 16199547), and loss-of-function variants in EIF2B2 are known to be pathogenic (PMID: 11704758, 12707859). This variant is present in population databases (no rsID available, gnomAD 0.0009%). This variant has not been reported in the literature in individuals affected with EIF2B2-related conditions. ClinVar contains an entry for this variant (Variation ID: 1936590). Algorithms developed to predict the effect of sequence changes on RNA splicing suggest that this variant may disrupt the consensus splice site. In summary, the currently available evidence indicates that the variant is pathogenic, but additional data are needed to prove that conclusively. Therefore, this variant has been classified as Likely Pathogenic.

Dr. Peter K. Rogan Lab, Western University
No classification provided (evidence only). Condition: Malignant tumor of esophagus. Review status: no classification provided. Collection method: in vitro. Allele origin: not applicable. Functional consequence: cryptic splice site. Not counted in ClinVar's aggregate classification.

Literature cited by the submitters: PubMed 16199547 (cited by Labcorp Genetics (formerly Invitae), Labcorp); PubMed 11704758 (cited by Labcorp Genetics (formerly Invitae), Labcorp); PubMed 12707859 (cited by Labcorp Genetics (formerly Invitae), Labcorp).

NM_014239.4(EIF2B2):c.832-2A>T

Gene: EIF2B2 (eukaryotic translation initiation factor 2B subunit beta; plus strand). Cytogenetic location: 14q24.3.
Variant type: single nucleotide variant.
Coding change: c.832-2A>T on transcript NM_014239.4 (MANE Select); the canonical splice acceptor site of the intron before coding-DNA position 832, A replaced by T.
Molecular consequence: splice acceptor variant.
Genome position (GRCh38, 1-based): chr14:75,007,720, A>T. VCF-style: chr14-75007720-A-T. GRCh37 (hg19) VCF-style: chr14-75474423-A-T.
Identifiers: ClinVar variation 1936590 (VCV001936590.6), dbSNP rs752278683, ClinGen allele CA390429445.
Genomic context (GRCh38, chr14:75,007,720, plus strand): 5'-GGGTACATACCTAGGAGTGGAATTGCTGGGTCTCTAGTTTTTATAAATTTTTTCCTTTTT[A>T]GTTCCCCAATGAAGAAGACTCATTTCATAAGTTTGTGGCTCCTGAAGAAGTCCTGCCATT-3'